The following is an entry in ClinVar:

ClinVar aggregate classification (germline): Uncertain significance (1 of 4 stars; one submission).

Conditions:
Marfan syndrome (MFS). Also called: MARFAN SYNDROME, TYPE I; Marfan syndrome type 1; Marfan's syndrome; Marfan syndrome, classic; FBN1-Related Marfan Syndrome. Identifiers: Orphanet 284963, Orphanet 558, MedGen C0024796, MONDO:0007947, OMIM 154700.
Familial thoracic aortic aneurysm and aortic dissection (TAAD). Also called: Thoracic aortic aneurysms and dissections. Identifiers: Orphanet 91387, MedGen C4707243, MONDO:0019625.

Submission:

Labcorp Genetics (formerly Invitae), Labcorp
Classification: Uncertain significance for Marfan syndrome; Familial thoracic aortic aneurysm and aortic dissection. Last evaluated: 2021-10-26. Review status: criteria provided, single submitter. Criteria: Invitae Variant Classification Sherloc (09022015). Collection method: clinical testing. Allele origin: germline.
Comment: In summary, the available evidence is currently insufficient to determine the role of this variant in disease. Therefore, it has been classified as a Variant of Uncertain Significance. Variants that disrupt the consensus splice site are a relatively common cause of aberrant splicing (PMID: 17576681, 9536098). Algorithms developed to predict the effect of sequence changes on RNA splicing suggest that this variant is not likely to affect RNA splicing. This variant has not been reported in the literature in individuals affected with FBN1-related conditions. This variant is not present in population databases (ExAC no frequency). This sequence change falls in intron 41 of the FBN1 gene. It does not directly change the encoded amino acid sequence of the FBN1 protein. It affects a nucleotide within the consensus splice site.

Literature cited by the submitters: PubMed 17576681; PubMed 9536098.

NM_000138.5(FBN1):c.5066-3T>C

Gene: FBN1 (fibrillin 1; minus strand). Cytogenetic location: 15q21.1.
Variant type: single nucleotide variant.
Coding change: c.5066-3T>C on transcript NM_000138.5 (MANE Select); 3 bases into the intron before coding-DNA position 5066, T replaced by C.
Molecular consequence: intron variant.
Genome position (GRCh38, 1-based): chr15:48,463,243, A>G on the plus strand (T>C on the coding strand, the complement: FBN1 is on the minus strand). VCF-style: chr15-48463243-A-G. GRCh37 (hg19) VCF-style: chr15-48755440-A-G.
Identifiers: ClinVar variation 1471917 (VCV001471917.6), dbSNP rs2141266776, ClinGen allele CA2573150762.
Genomic context (GRCh38, chr15:48,463,243, plus strand): 5'-CCATCACAGGTCTGGTTGTCAGCATAGTAGTTTCTGTAGCACAAACTTCTTCTCATATCT[A>G]GAAGGGAGGTAAAAAAAAGGATTGGAGGGTTGGTGATGCCATGTGGGAAATCACAACAAA-3'